The following is an entry in ClinVar:

NM_000548.5(TSC2):c.4652G>C (p.Gly1551Ala)

Gene: TSC2 (TSC complex subunit 2; plus strand). Cytogenetic location: 16p13.3.
Variant type: single nucleotide variant.
Coding change: c.4652G>C on transcript NM_000548.5 (MANE Select); coding-DNA position 4652, G replaced by C.
Protein change: p.Gly1551Ala; replaces glycine 1551 with alanine.
Molecular consequence: missense variant. On other transcripts: non-coding transcript variant (5).
Genome position (GRCh38, 1-based): chr16:2,085,312, G>C. VCF-style: chr16-2085312-G-C. GRCh37 (hg19) VCF-style: chr16-2135313-G-C.
Other names: c.4343G>C, p.Gly1448Ala (NM_001318827.2); c.4307G>C, p.Gly1436Ala (NM_001318829.2); c.3920G>C, p.Gly1307Ala (NM_001318831.2); c.4484G>C, p.Gly1495Ala (NM_001318832.2); c.4454G>C, p.Gly1485Ala (NM_001363528.2); c.4520G>C, p.Gly1507Ala (NM_001370404.1); c.4523G>C, p.Gly1508Ala (NM_001370405.1, NM_021055.3); c.4649G>C, p.Gly1550Ala (NM_001406663.1); and 26 more; short protein forms G1036A, G1037A, G1059A, G1060A, G1080A, G1284A, G1285A, G1307A.
Identifiers: ClinVar variation 3232172 (VCV003232172.1), dbSNP rs2151553490, ClinGen allele CA394305032.

ClinVar aggregate classification (germline): Uncertain significance (1 of 4 stars; one submission).

Conditions:
Hereditary cancer-predisposing syndrome. Also called: Neoplastic Syndromes, Hereditary; Tumor predisposition; Hereditary neoplastic syndrome; Hereditary Cancer Syndrome. Identifiers: Orphanet 140162, MedGen C0027672, MeSH D009386, MONDO:0015356.

Submission:

Ambry Genetics
Classification: Uncertain significance for Hereditary cancer-predisposing syndrome. Last evaluated: 2023-10-22. Review status: criteria provided, single submitter. Criteria: Ambry Variant Classification Scheme 2023. Collection method: clinical testing. Allele origin: germline.
Comment: The p.G1551A variant (also known as c.4652G>C), located in coding exon 35 of the TSC2 gene, results from a G to C substitution at nucleotide position 4652. The glycine at codon 1551 is replaced by alanine, an amino acid with similar properties. This amino acid position is conserved. In addition, this alteration is predicted to be deleterious by in silico analysis. Since supporting evidence is limited at this time, the clinical significance of this alteration remains unclear.